The following is an entry in ClinVar:

Conditions:
Long QT syndrome 5 (LQT5). Identifiers: Orphanet 101016, Orphanet 768, MedGen C1867904, MONDO:0013372, OMIM 613695.

Submission:

Roden Lab, Vanderbilt University Medical Center
No classification provided (evidence only). Condition: Long QT syndrome 5. Review status: no classification provided. Collection method: in vitro. Allele origin: not applicable. Functional consequence: Effect on ion channel function.
ClinVar note: "not provided" was previously submitted as the classification for the variant. However, the classification appeared to be based only on an observation of functional data so it was converted to no classification on 2025-07-30.

NM_000219.6(KCNE1):c.108C>A (p.Arg36=)

Gene: KCNE1 (potassium voltage-gated channel subfamily E regulatory subunit 1; minus strand). Cytogenetic location: 21q22.12.
Variant type: single nucleotide variant.
Coding change: c.108C>A on transcript NM_000219.6 (MANE Select); coding-DNA position 108, C replaced by A.
Protein change: p.Arg36=; no amino-acid change (arginine 36 retained).
Molecular consequence: synonymous variant.
Genome position (GRCh38, 1-based): chr21:34,449,527, G>T on the plus strand (C>A on the coding strand, the complement: KCNE1 is on the minus strand). VCF-style: chr21-34449527-G-T. GRCh37 (hg19) VCF-style: chr21-35821825-G-T.
Other names: c.108C>A, p.Arg36= (NM_001127668.4, NM_001127669.4, NM_001127670.4 and 4 more transcripts).
Identifiers: ClinVar variation 3374068 (VCV003374068.2).